The following is an entry in ClinVar:

NM_007294.4(BRCA1):c.2824G>C (p.Ala942Pro)

Gene: BRCA1 (BRCA1 DNA repair associated; minus strand). Cytogenetic location: 17q21.31.
Variant type: single nucleotide variant.
Coding change: c.2824G>C on transcript NM_007294.4 (MANE Select); coding-DNA position 2824, G replaced by C.
Protein change: p.Ala942Pro; replaces alanine 942 with proline.
Molecular consequence: missense variant. On other transcripts: intron variant (137).
Genome position (GRCh38, 1-based): chr17:43,092,707, C>G on the plus strand (G>C on the coding strand, the complement: BRCA1 is on the minus strand). VCF-style: chr17-43092707-C-G. GRCh37 (hg19) VCF-style: chr17-41244724-C-G.
Other names: c.2611G>C, p.Ala871Pro (NM_001407571.1, NM_001407853.1, NM_001407894.1 and 9 more transcripts); c.2824G>C, p.Ala942Pro (NM_001407581.1, NM_001407582.1, NM_001407583.1 and 30 more transcripts); c.2821G>C, p.Ala941Pro (NM_001407587.1, NM_001407590.1, NM_001407591.1 and 22 more transcripts); c.2815G>C, p.Ala939Pro (NM_001407646.1, NM_001407647.1); c.2701G>C, p.Ala901Pro (NM_001407648.1, NM_001407664.1, NM_001407665.1 and 19 more transcripts); c.2698G>C, p.Ala900Pro (NM_001407649.1, NM_001407670.1, NM_001407671.1 and 11 more transcripts); c.2746G>C, p.Ala916Pro (NM_001407653.1, NM_001407654.1, NM_001407655.1 and 4 more transcripts); c.2743G>C, p.Ala915Pro (NM_001407659.1, NM_001407660.1, NM_001407661.1 and 1 more transcripts); and 41 more; short protein forms A942P, A895P, A646P, A814P, A815P, A901P, A939P, A831P.
Identifiers: ClinVar variation 1386762 (VCV001386762.9), dbSNP rs2154357673, ClinGen allele CA10596343.

ClinVar aggregate classification (germline): Conflicting classifications of pathogenicity. Review status: criteria provided, conflicting classifications (1 of 4 stars). 2 submissions from 2 submitters: Uncertain significance (1); Likely benign (1). Last evaluated 2023-03-23.

Conditions:
Hereditary cancer-predisposing syndrome. Also called: Neoplastic Syndromes, Hereditary; Tumor predisposition; Hereditary neoplastic syndrome; Hereditary Cancer Syndrome. Identifiers: Orphanet 140162, MedGen C0027672, MeSH D009386, MONDO:0015356.
Hereditary breast ovarian cancer syndrome. Also called: Hereditary breast and ovarian cancer syndrome; Hereditary breast and ovarian cancer; BRCA1- and BRCA2-Associated Hereditary Breast and Ovarian Cancer; Hereditary breast and/or ovarian cancer syndrome; Hereditary breast and ovarian cancer syndrome (HBOC); Breast and ovarian cancer. Identifiers: Orphanet 145, MedGen C0677776, MeSH D061325, MONDO:0003582. Disease mechanism: loss of function.

Submissions (2):

University of Washington Department of Laboratory Medicine, University of Washington
Classification: Likely benign for Hereditary cancer-predisposing syndrome. Last evaluated: 2023-03-23. Review status: criteria provided, single submitter. Criteria: Dines et al. (Genet Med. 2020). Collection method: curation. Allele origin: germline.
Comment: Missense variant in a coldspot region where missense variants are very unlikely to be pathogenic (PMID:31911673).

BRCA1 coldspot (exon 11 using historical exon numbering). Reclassification based on statistical prior probability

Labcorp Genetics (formerly Invitae), Labcorp
Classification: Uncertain significance for Hereditary breast ovarian cancer syndrome. Last evaluated: 2021-10-13. Review status: criteria provided, single submitter. Criteria: Invitae Variant Classification Sherloc (09022015). Collection method: clinical testing. Allele origin: germline.
Comment: This sequence change replaces alanine with proline at codon 942 of the BRCA1 protein (p.Ala942Pro). The alanine residue is moderately conserved and there is a small physicochemical difference between alanine and proline. This variant is not present in population databases (ExAC no frequency). This variant has not been reported in the literature in individuals affected with BRCA1-related conditions. Advanced modeling of protein sequence and biophysical properties (such as structural, functional, and spatial information, amino acid conservation, physicochemical variation, residue mobility, and thermodynamic stability) performed at Invitae indicates that this missense variant is not expected to disrupt BRCA1 protein function. In summary, the available evidence is currently insufficient to determine the role of this variant in disease. Therefore, it has been classified as a Variant of Uncertain Significance.